The following is an entry in ClinVar:

NM_000053.4(ATP7B):c.1048C>T (p.Pro350Ser)

Gene: ATP7B (ATPase copper transporting beta; minus strand). Cytogenetic location: 13q14.3.
Variant type: single nucleotide variant.
Coding change: c.1048C>T on transcript NM_000053.4 (MANE Select); coding-DNA position 1048, C replaced by T.
Protein change: p.Pro350Ser; replaces proline 350 with serine.
Molecular consequence: missense variant. On other transcripts: intron variant (2).
Genome position (GRCh38, 1-based): chr13:51,974,172, G>A on the plus strand (C>T on the coding strand, the complement: ATP7B is on the minus strand). VCF-style: chr13-51974172-G-A. GRCh37 (hg19) VCF-style: chr13-52548308-G-A.
Other names: c.1048C>T, p.Pro350Ser (NM_001406526.1, NM_001406525.1, NM_001005918.3 and 29 more transcripts); c.952C>T, p.Pro318Ser (NM_001406517.1, NM_001406518.1, NM_001406543.1 and 3 more transcripts); c.803-88C>T (NM_001243182.2); c.707-88C>T (NM_001406539.1); short protein forms P318S, P350S.
Identifiers: ClinVar variation 4758593 (VCV004758593.1).
Genomic context (GRCh38, chr13:51,974,172, plus strand): 5'-AGGTCATGCCGGCAATGGCAATCAGAGTGGTACTGCATGTGCCCTGGACCTGGTTTCTCG[G>A]TGGGGAGCCAGGGGAATGAGAACTGGAAGACCTGTGATCTGTCCCACTCCCTTCGGCTCC-3'
Protein context (NP_000044.2, residues 340-360): SSSSHSPGSP[Pro350Ser]RNQVQGTCST

ClinVar aggregate classification (germline): Uncertain significance (1 of 4 stars; one submission).

Conditions:
Wilson disease (WND). Also called: Wilson's disease. Identifiers: Orphanet 905, MedGen C0019202, MONDO:0010200, OMIM 277900. Disease mechanism: loss of function.

gnomAD v4.1: 3 of 1,613,980 alleles (0.00019%); highest among the groups gnomAD compares: Non-Finnish European, 0.00025%; no homozygotes.

Submission:

Color Diagnostics, LLC DBA Color Health
Classification: Uncertain significance for Wilson disease. Last evaluated: 2025-06-29. Review status: criteria provided, single submitter. Criteria: ACMG Guidelines, 2015. Collection method: clinical testing. Allele origin: germline.
Comment: This missense variant replaces proline with serine at codon 350 of the ATP7B protein. Computational prediction suggests that this variant may not impact protein structure and function. To our knowledge, functional studies have not been reported for this variant. This variant has not been reported in individuals affected with ATP7B-related disorders in the literature. This variant has been identified in 1/249404 chromosomes in the general population by the Genome Aggregation Database (gnomAD). The available evidence is insufficient to determine the role of this variant in disease conclusively. Therefore, this variant is classified as a Variant of Uncertain Significance.